The following is an entry in ClinVar:

ClinVar aggregate classification (germline): Uncertain significance. Review status: criteria provided, multiple submitters, no conflicts (2 of 4 stars). 3 submissions from 3 submitters: Uncertain significance (3). Last evaluated 2026-05-17.

Conditions:
Hereditary cancer-predisposing syndrome. Also called: Tumor predisposition; Hereditary neoplastic syndrome; Neoplastic Syndromes, Hereditary; Hereditary Cancer Syndrome. Identifiers: Orphanet 140162, MedGen C0027672, MeSH D009386, MONDO:0015356.
MSH6-related disorder. Also called: MSH6-related condition; MSH6-Related disorders.
Hereditary nonpolyposis colorectal neoplasms. Identifiers: MedGen C0009405, MeSH D003123.

Allele frequency attached by ClinVar (database versions not stated): gnomAD exomes below 0.00001.
gnomAD v4.1: 1 of 1,614,196 alleles (0.000062%); highest among the groups gnomAD compares: African/African-American, 0.0013%; no homozygotes.

Submissions (3):

PreventionGenetics, part of Exact Sciences
Classification: Uncertain significance for MSH6-related condition. Last evaluated: 2026-05-17. Review status: criteria provided, single submitter. Criteria: ACMG Guidelines, 2015. Collection method: clinical testing. Allele origin: germline.
Comment: The MSH6 c.410G>T variant is predicted to result in the amino acid substitution p.Ser137Ile. To our knowledge, this variant has not been reported in the literature or in a large population database (gnomAD), indicating this variant is rare. This variant is interpreted as variant of uncertain significance in ClinVar (Variation ID: 1040324). At this time, the clinical significance of this variant is uncertain due to the absence of conclusive functional and genetic evidence.

Labcorp Genetics (formerly Invitae), Labcorp
Classification: Uncertain significance for Hereditary nonpolyposis colorectal neoplasms. Last evaluated: 2024-11-18. Review status: criteria provided, single submitter. Criteria: Invitae Variant Classification Sherloc (09022015). Collection method: clinical testing. Allele origin: germline.
Comment: This sequence change replaces serine, which is neutral and polar, with isoleucine, which is neutral and non-polar, at codon 137 of the MSH6 protein (p.Ser137Ile). This variant is not present in population databases (gnomAD no frequency). This variant has not been reported in the literature in individuals affected with MSH6-related conditions. ClinVar contains an entry for this variant (Variation ID: 1040324). Invitae Evidence Modeling of protein sequence and biophysical properties (such as structural, functional, and spatial information, amino acid conservation, physicochemical variation, residue mobility, and thermodynamic stability) indicates that this missense variant is not expected to disrupt MSH6 protein function with a negative predictive value of 95%. In summary, the available evidence is currently insufficient to determine the role of this variant in disease. Therefore, it has been classified as a Variant of Uncertain Significance.

Ambry Genetics
Classification: Uncertain significance for Hereditary cancer-predisposing syndrome. Last evaluated: 2024-06-06. Review status: criteria provided, single submitter. Criteria: Ambry Variant Classification Scheme 2023. Collection method: clinical testing. Allele origin: germline.
Comment: The p.S137I variant (also known as c.410G>T), located in coding exon 2 of the MSH6 gene, results from a G to T substitution at nucleotide position 410. The serine at codon 137 is replaced by isoleucine, an amino acid with dissimilar properties. This amino acid position is not well conserved in available vertebrate species. In addition, this alteration is predicted to be tolerated by in silico analysis. Based on the available evidence, the clinical significance of this variant remains unclear.

NM_000179.3(MSH6):c.410G>T (p.Ser137Ile)

Gene: MSH6 (mutS homolog 6; plus strand). Cytogenetic location: 2p16.3.
Variant type: single nucleotide variant.
Coding change: c.410G>T on transcript NM_000179.3 (MANE Select); coding-DNA position 410, G replaced by T.
Protein change: p.Ser137Ile; replaces serine 137 with isoleucine.
Molecular consequence: missense variant. On other transcripts: 5 prime UTR variant (2), intron variant (1).
Genome position (GRCh38, 1-based): chr2:47,791,076, G>T. VCF-style: chr2-47791076-G-T. GRCh37 (hg19) VCF-style: chr2-48018215-G-T.
Other names: c.-327G>T (NM_001281493.2); c.-493G>T (NM_001281494.2); c.238-7535G>T (NM_001281492.2); c.410G>T (NM_000179.2); short protein forms S137I.
Identifiers: ClinVar variation 1040324 (VCV001040324.9), dbSNP rs1668699972, ClinGen allele CA346737114.